The following is an entry in ClinVar:

NM_007098.4(CLTCL1):c.2822A>G (p.Lys941Arg)

Gene: CLTCL1 (clathrin heavy chain like 1; minus strand). Cytogenetic location: 22q11.21.
Variant type: single nucleotide variant.
Coding change: c.2822A>G on transcript NM_007098.4 (MANE Select); coding-DNA position 2822, A replaced by G.
Protein change: p.Lys941Arg; replaces lysine 941 with arginine.
Molecular consequence: missense variant.
Genome position (GRCh38, 1-based): chr22:19,219,982, T>C on the plus strand (A>G on the coding strand, the complement: CLTCL1 is on the minus strand). VCF-style: chr22-19219982-T-C. GRCh37 (hg19) VCF-style: chr22-19207491-T-C.
Other names: p.Lys941Arg; c.2822A>G, p.Lys941Arg (NM_001835.4); short protein forms K941R.
Identifiers: ClinVar variation 788926 (VCV000788926.8), dbSNP rs35398725, ClinGen allele CA10098281.

ClinVar aggregate classification (germline): Benign. Review status: criteria provided, multiple submitters, no conflicts (2 of 4 stars). 4 submissions from 4 submitters: Benign (3). 1 of the submissions does not count toward it. Last evaluated 2025-05-29.

Conditions:
CLTCL1-related disorder. Also called: CLTCL1-related condition.

Allele frequency attached by ClinVar (database versions not stated): gnomAD 0.00588 and 0.00545; gnomAD exomes 0.00232 and 0.00112; TOPMed 0.00665; ESP Exome Variant Server 0.00743; ExAC 0.00268; 1000 Genomes Project 0.00619; 1000 Genomes Project 30x 0.00609.
gnomAD v4.1: 2,531 of 1,614,032 alleles (0.16%); highest among the groups gnomAD compares: African/African-American, 1.7%; 13 homozygotes.

Submissions (4):

Mayo Clinic Laboratories, Mayo Clinic
Classification: Benign. Last evaluated: 2025-05-29. Review status: criteria provided, single submitter. Criteria: ACMG Guidelines, 2015. Collection method: clinical testing. Allele origin: germline. Observed: 2 variant alleles.
Comment: BS1, BS2, BP4_moderate

Labcorp Genetics (formerly Invitae), Labcorp
Classification: Benign. Last evaluated: 2019-12-31. Review status: criteria provided, single submitter. Criteria: Invitae Variant Classification Sherloc (09022015). Collection method: clinical testing. Allele origin: germline.

Breakthrough Genomics
Classification: Benign. Review status: criteria provided, single submitter. Criteria: ACMG Guidelines, 2015. Collection method: not provided. Allele origin: germline. Inheritance: Unknown mechanism. Affected: yes.

PreventionGenetics, part of Exact Sciences
Classification: Benign for CLTCL1-related condition. Last evaluated: 2019-03-01. Review status: no assertion criteria provided. Collection method: clinical testing. Allele origin: germline. Not counted in ClinVar's aggregate classification.
Comment: This variant is classified as benign based on ACMG/AMP sequence variant interpretation guidelines (Richards et al. 2015 PMID: 25741868, with internal and published modifications).